The following is an entry in ClinVar:

ClinVar aggregate classification (germline): Uncertain significance (1 of 4 stars; one submission).

Conditions:
Inborn genetic diseases. Identifiers: MedGen C0950123, MeSH D030342.

Submission:

Ambry Genetics
Classification: Uncertain significance for Inborn genetic diseases. Last evaluated: 2023-01-16. Review status: criteria provided, single submitter. Criteria: Ambry Variant Classification Scheme 2023. Collection method: clinical testing. Allele origin: germline.
Comment: The p.G255R variant (also known as c.763G>C), located in coding exon 8 of the MDH2 gene, results from a G to C substitution at nucleotide position 763. The glycine at codon 255 is replaced by arginine, an amino acid with dissimilar properties. This amino acid position is conserved. In addition, this alteration is predicted to be deleterious by in silico analysis. Since supporting evidence is limited at this time, the clinical significance of this alteration remains unclear.

NM_005918.4(MDH2):c.763G>C (p.Gly255Arg)

Gene: MDH2 (malate dehydrogenase 2; plus strand). Cytogenetic location: 7q11.23.
Variant type: single nucleotide variant.
Coding change: c.763G>C on transcript NM_005918.4 (MANE Select); coding-DNA position 763, G replaced by C.
Protein change: p.Gly255Arg; replaces glycine 255 with arginine.
Molecular consequence: missense variant.
Genome position (GRCh38, 1-based): chr7:76,064,831, G>C. VCF-style: chr7-76064831-G-C. GRCh37 (hg19) VCF-style: chr7-75694149-G-C.
Other names: c.637G>C, p.Gly213Arg (NM_001282403.2); c.442G>C, p.Gly148Arg (NM_001282404.2); short protein forms G255R, G148R, G213R.
Identifiers: ClinVar variation 2496823 (VCV002496823.2), dbSNP rs782332733, ClinGen allele CA367768062.